The following is an entry in ClinVar:

NM_001035.3(RYR2):c.6788A>G (p.Glu2263Gly)

Gene: RYR2 (ryanodine receptor 2; plus strand). Cytogenetic location: 1q43.
Variant type: single nucleotide variant.
Coding change: c.6788A>G on transcript NM_001035.3 (MANE Select); coding-DNA position 6788, A replaced by G.
Protein change: p.Glu2263Gly; replaces glutamic acid 2263 with glycine.
Molecular consequence: missense variant.
Genome position (GRCh38, 1-based): chr1:237,634,988, A>G. VCF-style: chr1-237634988-A-G. GRCh37 (hg19) VCF-style: chr1-237798288-A-G.
Other names: short protein forms E2263G.
Identifiers: ClinVar variation 2579301 (VCV002579301.1), dbSNP rs2546937705, ClinGen allele CA345394937.

ClinVar aggregate classification (germline): Uncertain significance (1 of 4 stars; one submission).

gnomAD v4.1: 1 of 1,587,172 alleles (0.000063%); no homozygotes.

Submission:

GeneDx
Classification: Uncertain significance. Last evaluated: 2023-09-07. Review status: criteria provided, single submitter. Criteria: GeneDx Variant Classification Process June 2021. Collection method: clinical testing. Allele origin: germline. Affected: yes.
Comment: Has not been previously published as pathogenic or benign to our knowledge; Not observed at significant frequency in large population cohorts (gnomAD); In silico analysis supports that this missense variant has a deleterious effect on protein structure/function; located in one of the three hot-spot regions of the RYR2 gene, where the majority of pathogenic missense variants occur (Medeiros-Domingo et al., 2009); This variant is associated with the following publications: (PMID: 19926015)